The following is an entry in ClinVar:

NM_006180.6(NTRK2):c.1943A>G (p.His648Arg)

Gene: NTRK2 (neurotrophic receptor tyrosine kinase 2; plus strand). Cytogenetic location: 9q21.33.
Variant type: single nucleotide variant.
Coding change: c.1943A>G on transcript NM_006180.6 (MANE Select); coding-DNA position 1943, A replaced by G.
Protein change: p.His648Arg; replaces histidine 648 with arginine.
Molecular consequence: missense variant.
Genome position (GRCh38, 1-based): chr9:84,955,288, A>G. VCF-style: chr9-84955288-A-G. GRCh37 (hg19) VCF-style: chr9-87570203-A-G.
Other names: c.1895A>G, p.His632Arg (NM_001018064.3, NM_001369532.1, NM_001369533.1); c.1859A>G, p.His620Arg (NM_001369534.1); c.1427A>G, p.His476Arg (NM_001369535.1); c.1475A>G, p.His492Arg (NM_001369536.1); c.1943A>G, p.His648Arg (NM_001381928.1); short protein forms H476R, H492R, H620R, H632R, H648R.
Identifiers: ClinVar variation 2503311 (VCV002503311.1), dbSNP rs2132971339, ClinGen allele CA374009897.

ClinVar aggregate classification (germline): Uncertain significance (1 of 4 stars; one submission).

Submission:

GeneDx
Classification: Uncertain significance. Last evaluated: 2022-11-23. Review status: criteria provided, single submitter. Criteria: GeneDx Variant Classification Process June 2021. Collection method: clinical testing. Allele origin: germline. Affected: yes.
Comment: Not observed at significant frequency in large population cohorts (gnomAD); In silico analysis supports that this missense variant has a deleterious effect on protein structure/function; Has not been previously published as pathogenic or benign to our knowledge